The following is an entry in ClinVar:

NM_000153.4(GALC):c.1465dup (p.Thr489fs)

Gene: GALC (galactosylceramidase; minus strand). Cytogenetic location: 14q31.3.
Variant type: Duplication.
Coding change: c.1465dup on transcript NM_000153.4 (MANE Select); coding-DNA position 1465, one base duplicated (A; older notation c.1465dupA).
Protein change: p.Thr489fs; shifts the reading frame from threonine 489.
Molecular consequence: frameshift variant.
Genome position (GRCh38, 1-based): chr14:87,947,752, T duplicated on the plus strand (A on the coding strand, the reverse complement: GALC is on the minus strand). VCF-style (leftmost placement, unchanged base first): chr14-87947751-G-GT. GRCh37 (hg19) VCF-style: chr14-88414095-G-GT.
Other names: c.1396dup, p.Thr466fs (NM_001201401.2); c.1387dup, p.Thr463fs (NM_001201402.2); short protein forms T466fs, T463fs, T489fs.
Identifiers: ClinVar variation 1455232 (VCV001455232.6), dbSNP rs2139956343, ClinGen allele CA2573150292.

ClinVar aggregate classification (germline): Pathogenic (1 of 4 stars; one submission).

Conditions:
Galactosylceramide beta-galactosidase deficiency. Also called: GALACTOCEREBROSIDASE DEFICIENCY; GALC DEFICIENCY; GLOBOID CELL LEUKOENCEPHALOPATHY; Krabbe Disease; Leukodystrophy, Globoid Cell. Identifiers: Orphanet 487, MedGen C0023521, MONDO:0009499, OMIM 245200.

Submission:

Labcorp Genetics (formerly Invitae), Labcorp
Classification: Pathogenic for Galactosylceramide beta-galactosidase deficiency. Last evaluated: 2021-08-08. Review status: criteria provided, single submitter. Criteria: Invitae Variant Classification Sherloc (09022015). Collection method: clinical testing. Allele origin: germline.
Comment: This sequence change creates a premature translational stop signal (p.Thr489Asnfs*3) in the GALC gene. It is expected to result in an absent or disrupted protein product. Loss-of-function variants in GALC are known to be pathogenic (PMID: 7437911, 9272171, 16607461). This variant is not present in population databases (ExAC no frequency). This variant has not been reported in the literature in individuals affected with GALC-related conditions. For these reasons, this variant has been classified as Pathogenic.

Literature cited by the submitters: PubMed 7437911; PubMed 9272171; PubMed 16607461.